The following is an entry in ClinVar:

ClinVar aggregate classification (germline): Uncertain significance (1 of 4 stars; one submission).

Submission:

Mayo Clinic Laboratories, Mayo Clinic
Classification: Uncertain significance. Last evaluated: 2025-03-20. Review status: criteria provided, single submitter. Criteria: ACMG Guidelines, 2015. Collection method: clinical testing. Allele origin: germline. Observed: 1 variant allele.
Comment: BP4

NM_001478.5(B4GALNT1):c.954G>T (p.Glu318Asp)

Gene: B4GALNT1 (beta-1,4-N-acetyl-galactosaminyltransferase 1; minus strand). Cytogenetic location: 12q13.3.
Variant type: single nucleotide variant.
Coding change: c.954G>T on transcript NM_001478.5 (MANE Select); coding-DNA position 954, G replaced by T.
Protein change: p.Glu318Asp; replaces glutamic acid 318 with aspartic acid.
Molecular consequence: missense variant. On other transcripts: 5 prime UTR variant (4).
Genome position (GRCh38, 1-based): chr12:57,628,761, C>A on the plus strand (G>T on the coding strand, the complement: B4GALNT1 is on the minus strand). VCF-style: chr12-57628761-C-A. GRCh37 (hg19) VCF-style: chr12-58022544-C-A.
Other names: p.Glu318Asp; c.789G>T, p.Glu263Asp (NM_001276468.2, NM_001413978.1); c.954G>T, p.Glu318Asp (NM_001413967.1, NM_001413968.1, NM_001413969.1 and 7 more transcripts); c.855G>T, p.Glu285Asp (NM_001413977.1); c.-34G>T (NM_001413981.1, NM_001413982.1, NM_001413983.1 and 1 more transcripts); short protein forms E263D, E318D, E285D.
Identifiers: ClinVar variation 4541727 (VCV004541727.1).